The following is an entry in ClinVar:

ClinVar aggregate classification (germline): Uncertain significance (1 of 4 stars; one submission).

Conditions:
Inborn genetic diseases. Identifiers: MedGen C0950123, MeSH D030342.

Submission:

Ambry Genetics
Classification: Uncertain significance for Inborn genetic diseases. Last evaluated: 2025-07-28. Review status: criteria provided, single submitter. Criteria: Ambry Variant Classification Scheme 2023. Collection method: clinical testing. Allele origin: germline.
Comment: The p.T455A variant (also known as c.1363A>G), located in coding exon 10 of the FANCG gene, results from an A to G substitution at nucleotide position 1363. The threonine at codon 455 is replaced by alanine, an amino acid with similar properties. This amino acid position is conserved. In addition, this alteration is predicted to be tolerated by in silico analysis. Based on the available evidence, the clinical significance of this variant remains unclear.

NM_004629.2(FANCG):c.1363A>G (p.Thr455Ala)

Gene: FANCG (FA complementation group G; minus strand). Cytogenetic location: 9p13.3.
Variant type: single nucleotide variant.
Coding change: c.1363A>G on transcript NM_004629.2 (MANE Select); coding-DNA position 1363, A replaced by G.
Protein change: p.Thr455Ala; replaces threonine 455 with alanine.
Molecular consequence: missense variant.
Genome position (GRCh38, 1-based): chr9:35,075,535, T>C on the plus strand (A>G on the coding strand, the complement: FANCG is on the minus strand). VCF-style: chr9-35075535-T-C. GRCh37 (hg19) VCF-style: chr9-35075532-T-C.
Other names: short protein forms T455A.
Identifiers: ClinVar variation 4254462 (VCV004254462.1).